The following is an entry in ClinVar:

NM_001242896.3(DEPDC5):c.202A>G (p.Ser68Gly)

Gene: DEPDC5 (DEP domain containing 5, GATOR1 subcomplex subunit; plus strand). Cytogenetic location: 22q12.2.
Variant type: single nucleotide variant.
Coding change: c.202A>G on transcript NM_001242896.3 (MANE Select); coding-DNA position 202, A replaced by G.
Protein change: p.Ser68Gly; replaces serine 68 with glycine.
Molecular consequence: missense variant. On other transcripts: non-coding transcript variant (5).
Genome position (GRCh38, 1-based): chr22:31,764,983, A>G. VCF-style: chr22-31764983-A-G. GRCh37 (hg19) VCF-style: chr22-32160969-A-G.
Other names: c.202A>G, p.Ser68Gly (NM_001007188.4, NM_001136029.4, NM_001242897.2 and 9 more transcripts); short protein forms S68G.
Identifiers: ClinVar variation 1784727 (VCV001784727.3), dbSNP rs1183087904, ClinGen allele CA411281159.
Genomic context (GRCh38, chr22:31,764,983, plus strand): 5'-GATCTGCTTTTTCAAAATATGTTATCTGAGCCAGATATTGTTTCTGTTTTAGAAACTATC[A>G]GTGTGGACCAGACTGTGACTCAAGTGTTCCGGCTGAGACCTTATCAGGATGTCTATGTTA-3'
Protein context (NP_001229825.1, residues 58-78): LKEDLQKETI[Ser68Gly]VDQTVTQVFR

ClinVar aggregate classification (germline): Uncertain significance. Review status: criteria provided, multiple submitters, no conflicts (2 of 4 stars). 2 submissions from 2 submitters: Uncertain significance (2). Last evaluated 2024-05-15.

Conditions:
Inborn genetic diseases. Identifiers: MedGen C0950123, MeSH D030342.

Allele frequency attached by ClinVar (database versions not stated): gnomAD exomes 0.00001.
gnomAD v4.1: 3 of 1,613,448 alleles (0.00019%); highest among the groups gnomAD compares: South Asian, 0.0011%; no homozygotes.

Submissions (2):

GeneDx
Classification: Uncertain significance. Last evaluated: 2024-05-15. Review status: criteria provided, single submitter. Criteria: GeneDx Variant Classification Process June 2021. Collection method: clinical testing. Allele origin: germline. Affected: yes.
Comment: Not observed at significant frequency in large population cohorts (gnomAD); In silico analysis supports that this missense variant has a deleterious effect on protein structure/function; Has not been previously published as pathogenic or benign to our knowledge

Ambry Genetics
Classification: Uncertain significance for Inborn genetic diseases. Last evaluated: 2017-09-28. Review status: criteria provided, single submitter. Criteria: Ambry Variant Classification Scheme 2023. Collection method: clinical testing. Allele origin: germline.
Comment: The p.S68G variant (also known as c.202A>G), located in coding exon 4 of the DEPDC5 gene, results from an A to G substitution at nucleotide position 202. The serine at codon 68 is replaced by glycine, an amino acid with similar properties. This amino acid position is highly conserved in available vertebrate species. In addition, the in silico prediction for this alteration is inconclusive. Since supporting evidence is limited at this time, the clinical significance of this alteration remains unclear.